The following is an entry in ClinVar:

ClinVar aggregate classification (germline): Uncertain significance. Review status: criteria provided, multiple submitters, no conflicts (2 of 4 stars). 2 submissions from 2 submitters: Uncertain significance (2). Last evaluated 2026-02-19.

Conditions:
Hereditary cancer-predisposing syndrome. Also called: Tumor predisposition; Hereditary neoplastic syndrome; Hereditary Cancer Syndrome; Neoplastic Syndromes, Hereditary. Identifiers: Orphanet 140162, MedGen C0027672, MeSH D009386, MONDO:0015356.

Submissions (2):

Ambry Genetics
Classification: Uncertain significance for Hereditary cancer-predisposing syndrome. Last evaluated: 2026-02-19. Review status: criteria provided, single submitter. Criteria: Ambry Variant Classification Scheme 2023. Collection method: clinical testing. Allele origin: germline.
Comment: The p.S59C variant (also known as c.176C>G), located in coding exon 1 of the STK11 gene, results from a C to G substitution at nucleotide position 176. The serine at codon 59 is replaced by cysteine, an amino acid with dissimilar properties. This amino acid position is highly conserved in available vertebrate species. In addition, this alteration is predicted to be deleterious by in silico analysis. Based on the available evidence, the clinical significance of this variant remains unclear.

GeneDx
Classification: Uncertain significance. Last evaluated: 2015-11-19. Review status: criteria provided, single submitter. Criteria: GeneDx Variant Classification (06012015). Collection method: clinical testing. Allele origin: germline. Affected: yes.
Comment: This variant is denoted STK11 c.176C>G at the cDNA level, p.Ser59Cys (S59C) at the protein level, and results in the change of a Serine to a Cysteine (TCT>TGT). This variant has not, to our knowledge, been published in the literature as pathogenic or benign. STK11 Ser59Cys was not observed in approximately 6,500 individuals of European and African American ancestry in the NHLBI Exome Sequencing Project, suggesting it is not a common benign variant in these populations. Since Serine and Cysteine differ in polarity, charge, size or other properties, this is considered a non-conservative amino acid substitution. STK11 Ser59Cys occurs at a position that is conserved across species and is located in the domain responsible for binding and orientation of ATP (Hearle 2006). In silico analyses predict that this variant is probably damaging to protein structure and function. Based on currently available evidence, it is unclear whether STK11 Ser59Cys is a pathogenic or benign variant. We consider it to be a variant of uncertain significance.

NM_000455.5(STK11):c.176C>G (p.Ser59Cys)

Gene: STK11 (serine/threonine kinase 11; plus strand). Cytogenetic location: 19p13.3.
Variant type: single nucleotide variant.
Coding change: c.176C>G on transcript NM_000455.5 (MANE Select); coding-DNA position 176, C replaced by G.
Protein change: p.Ser59Cys; replaces serine 59 with cysteine.
Molecular consequence: missense variant.
Genome position (GRCh38, 1-based): chr19:1,207,089, C>G. VCF-style: chr19-1207089-C-G. GRCh37 (hg19) VCF-style: chr19-1207088-C-G.
Other names: short protein forms S59C.
Identifiers: ClinVar variation 234628 (VCV000234628.3), dbSNP rs876661128, ClinGen allele CA10577592.